The following is an entry in ClinVar:

ClinVar aggregate classification (germline): Uncertain significance (1 of 4 stars; one submission).

Conditions:
Inborn genetic diseases. Identifiers: MedGen C0950123, MeSH D030342.

gnomAD v4.1: 2 of 1,441,170 alleles (0.00014%); highest among the groups gnomAD compares: Non-Finnish European, 0.00018%; no homozygotes.

Submission:

Ambry Genetics
Classification: Uncertain significance for Inborn genetic diseases. Last evaluated: 2024-10-15. Review status: criteria provided, single submitter. Criteria: Ambry Variant Classification Scheme 2023. Collection method: clinical testing. Allele origin: germline.
Comment: The p.S80A variant (also known as c.238T>G), located in coding exon 1 of the KDM1A gene, results from a T to G substitution at nucleotide position 238. The serine at codon 80 is replaced by alanine, an amino acid with similar properties. This amino acid position is conserved. In addition, this alteration is predicted to be tolerated by in silico analysis. Based on the available evidence, the clinical significance of this variant remains unclear.

NM_001009999.3(KDM1A):c.238T>G (p.Ser80Ala)

Gene: KDM1A (lysine demethylase 1A; plus strand). Cytogenetic location: 1p36.12.
Variant type: single nucleotide variant.
Coding change: c.238T>G on transcript NM_001009999.3 (MANE Select); coding-DNA position 238, T replaced by G.
Protein change: p.Ser80Ala; replaces serine 80 with alanine.
Molecular consequence: missense variant.
Genome position (GRCh38, 1-based): chr1:23,019,834, T>G. VCF-style: chr1-23019834-T-G. GRCh37 (hg19) VCF-style: chr1-23346327-T-G.
Other names: c.238T>G, p.Ser80Ala (NM_001363654.2, NM_001410762.1, NM_001410763.1 and 1 more transcripts); short protein forms S80A.
Identifiers: ClinVar variation 3532902 (VCV003532902.1).